The following is an entry in ClinVar:

NM_006267.5(RANBP2):c.5224A>G (p.Thr1742Ala)

Gene: RANBP2 (RAN binding protein 2; plus strand). Cytogenetic location: 2q13.
Variant type: single nucleotide variant.
Coding change: c.5224A>G on transcript NM_006267.5 (MANE Select); coding-DNA position 5224, A replaced by G.
Protein change: p.Thr1742Ala; replaces threonine 1742 with alanine.
Molecular consequence: missense variant.
Genome position (GRCh38, 1-based): chr2:108,765,763, A>G. VCF-style: chr2-108765763-A-G. GRCh37 (hg19) VCF-style: chr2-109382219-A-G.
Other names: c.5224A>G (NM_006267.4); short protein forms T1742A.
Identifiers: ClinVar variation 1059294 (VCV001059294.10), dbSNP rs776783992, ClinGen allele CA1823238.

ClinVar aggregate classification (germline): Uncertain significance. Review status: criteria provided, multiple submitters, no conflicts (2 of 4 stars). 2 submissions from 2 submitters: Uncertain significance (2). Last evaluated 2023-06-05.

Conditions:
Familial acute necrotizing encephalopathy (IIAE3). Also called: ENCEPHALOPATHY, ACUTE, INFECTION-INDUCED, SUSCEPTIBILITY TO, 3; Susceptibility to Acute Necrotizing Encephalopathy 1. Identifiers: Orphanet 88619, MedGen C2675556, MONDO:0011953, OMIM 608033.

Allele frequency attached by ClinVar (database versions not stated): ExAC 0.00002; gnomAD exomes 0.00002; TOPMed 0.00002.
gnomAD v4.1: 29 of 1,614,144 alleles (0.0018%); highest among the groups gnomAD compares: Admixed American, 0.0067%; no homozygotes.

Submissions (2):

Ambry Genetics
Classification: Uncertain significance. Last evaluated: 2023-06-05. Review status: criteria provided, single submitter. Criteria: Ambry Variant Classification Scheme 2023. Collection method: clinical testing. Allele origin: germline.

Labcorp Genetics (formerly Invitae), Labcorp
Classification: Uncertain significance for Familial acute necrotizing encephalopathy. Last evaluated: 2020-08-06. Review status: criteria provided, single submitter. Criteria: Invitae Variant Classification Sherloc (09022015). Collection method: clinical testing. Allele origin: germline.
Comment: In summary, the available evidence is currently insufficient to determine the role of this variant in disease. Therefore, it has been classified as a Variant of Uncertain Significance. Algorithms developed to predict the effect of missense changes on protein structure and function output the following: SIFT: "Deleterious"; PolyPhen-2: "Benign"; Align-GVGD: "Class C0". The alanine amino acid residue is found in multiple mammalian species, suggesting that this missense change does not adversely affect protein function. These predictions have not been confirmed by published functional studies and their clinical significance is uncertain. This variant has not been reported in the literature in individuals with RANBP2-related conditions. This variant is present in population databases (rs776783992, ExAC 0.009%). This sequence change replaces threonine with alanine at codon 1742 of the RANBP2 protein (p.Thr1742Ala). The threonine residue is weakly conserved and there is a small physicochemical difference between threonine and alanine.